The following is an entry in ClinVar:

ClinVar aggregate classification (germline): Pathogenic (1 of 4 stars; one submission).

gnomAD v4.1: 29 of 1,613,298 alleles (0.0018%); highest among the groups gnomAD compares: African/African-American, 0.037%; no homozygotes.

Submission:

GeneDx
Classification: Pathogenic. Last evaluated: 2023-12-19. Review status: criteria provided, single submitter. Criteria: GeneDx Variant Classification Process June 2021. Collection method: clinical testing. Allele origin: germline. Affected: yes.
Comment: Reported with an allele frequency of 0.14 in a large cohort of children with atopic dermatitis (PMID: 31365035); Nonsense variant predicted to result in protein truncation, as the last 2255 amino acids are lost, and other loss-of-function variants have been reported downstream in HGMD; This variant is associated with the following publications: (PMID: 31365035)

NM_002016.2(FLG):c.5419C>T (p.Gln1807Ter)

Genes: CCDST (cervical cancer associated DHX9 suppressive transcript; plus strand), FLG (filaggrin; minus strand). Cytogenetic location: 1q21.3.
Variant type: single nucleotide variant.
Coding change: c.5419C>T on transcript NM_002016.2 (MANE Select); coding-DNA position 5419, C replaced by T.
Protein change: p.Gln1807Ter; replaces glutamine 1807 with a stop codon.
Molecular consequence: nonsense.
Genome position (GRCh38, 1-based): chr1:152,309,467, G>A on the plus strand (C>T on the coding strand, the complement: FLG is on the minus strand). VCF-style: chr1-152309467-G-A. GRCh37 (hg19) VCF-style: chr1-152281943-G-A.
Other names: short protein forms Q1807*.
Identifiers: ClinVar variation 3340359 (VCV003340359.1).